The following is an entry in ClinVar:

ClinVar aggregate classification (germline): Uncertain significance. Review status: criteria provided, multiple submitters, no conflicts (2 of 4 stars). 3 submissions from 3 submitters: Uncertain significance (3). Last evaluated 2026-01-13.

Conditions:
Hereditary cancer-predisposing syndrome. Also called: Hereditary Cancer Syndrome; Tumor predisposition; Neoplastic Syndromes, Hereditary; Hereditary neoplastic syndrome. Identifiers: Orphanet 140162, MedGen C0027672, MeSH D009386, MONDO:0015356.
Familial adenomatous polyposis 1 (FAP1). Also called: FAMILIAL ADENOMATOUS POLYPOSIS 1, ATTENUATED; POLYPOSIS, ADENOMATOUS INTESTINAL. Identifiers: MedGen C2713442, MONDO:0021056, OMIM 175100. Disease mechanism: loss of function.

Submissions (3):

Ambry Genetics
Classification: Uncertain significance for Hereditary cancer-predisposing syndrome. Last evaluated: 2026-01-13. Review status: criteria provided, single submitter. Criteria: Ambry Variant Classification Scheme 2023. Collection method: clinical testing. Allele origin: germline.
Comment: The p.D812G variant (also known as c.2435A>G), located in coding exon 15 of the APC gene, results from an A to G substitution at nucleotide position 2435. The aspartic acid at codon 812 is replaced by glycine, an amino acid with similar properties. This amino acid position is conserved. In addition, in silico predictors for this gene do not accurately predict pathogenicity. Based on the available evidence, the clinical significance of this variant remains unclear.

Color Diagnostics, LLC DBA Color Health
Classification: Uncertain significance for Hereditary cancer-predisposing syndrome. Last evaluated: 2024-03-06. Review status: criteria provided, single submitter. Criteria: ACMG Guidelines, 2015. Collection method: clinical testing. Allele origin: germline.
Comment: This missense variant replaces aspartic acid with glycine at codon 812 of the APC protein. Computational prediction suggests that this variant may not impact protein structure and function (internally defined REVEL score threshold <= 0.5, PMID: 27666373). Splice site prediction tools suggest that this variant may not impact RNA splicing. To our knowledge, functional studies have not been reported for this variant. This variant has not been reported in individuals affected with hereditary cancer in the literature. This variant has not been identified in the general population by the Genome Aggregation Database (gnomAD). The available evidence is insufficient to determine the role of this variant in disease conclusively. Therefore, this variant is classified as a Variant of Uncertain Significance.

Labcorp Genetics (formerly Invitae), Labcorp
Classification: Uncertain significance for Familial adenomatous polyposis 1. Last evaluated: 2022-02-19. Review status: criteria provided, single submitter. Criteria: Invitae Variant Classification Sherloc (09022015). Collection method: clinical testing. Allele origin: germline.
Comment: This variant has not been reported in the literature in individuals affected with APC-related conditions. In summary, the available evidence is currently insufficient to determine the role of this variant in disease. Therefore, it has been classified as a Variant of Uncertain Significance. Algorithms developed to predict the effect of missense changes on protein structure and function are either unavailable or do not agree on the potential impact of this missense change (SIFT: "Deleterious"; PolyPhen-2: "Benign"; Align-GVGD: "Class C0"). ClinVar contains an entry for this variant (Variation ID: 850136). This variant is not present in population databases (gnomAD no frequency). This sequence change replaces aspartic acid, which is acidic and polar, with glycine, which is neutral and non-polar, at codon 812 of the APC protein (p.Asp812Gly).

NM_000038.6(APC):c.2435A>G (p.Asp812Gly)

Gene: APC (APC regulator of Wnt signaling pathway; plus strand). Cytogenetic location: 5q22.2.
Variant type: single nucleotide variant.
Coding change: c.2435A>G on transcript NM_000038.6 (MANE Select); coding-DNA position 2435, A replaced by G.
Protein change: p.Asp812Gly; replaces aspartic acid 812 with glycine.
Molecular consequence: missense variant.
Genome position (GRCh38, 1-based): chr5:112,838,029, A>G. VCF-style: chr5-112838029-A-G. GRCh37 (hg19) VCF-style: chr5-112173726-A-G.
Other names: c.2435A>G, p.Asp812Gly (NM_001127510.3, NM_001354895.2); c.2381A>G, p.Asp794Gly (NM_001127511.3); c.2489A>G, p.Asp830Gly (NM_001354896.2); c.2465A>G, p.Asp822Gly (NM_001354897.2); c.2360A>G, p.Asp787Gly (NM_001354898.2); c.2351A>G, p.Asp784Gly (NM_001354899.2); c.2312A>G, p.Asp771Gly (NM_001354900.2); c.2258A>G, p.Asp753Gly (NM_001354901.2); and 5 more; short protein forms D529G, D652G, D711G, D753G, D771G, D784G, D812G, D822G.
Identifiers: ClinVar variation 850136 (VCV000850136.16), dbSNP rs1765181517, ClinGen allele CA16026681.